The following is an entry in ClinVar:

NM_000053.4(ATP7B):c.2296A>C (p.Thr766Pro)

Gene: ATP7B (ATPase copper transporting beta; minus strand). Cytogenetic location: 13q14.3.
Variant type: single nucleotide variant.
Coding change: c.2296A>C on transcript NM_000053.4 (MANE Select); coding-DNA position 2296, A replaced by C.
Protein change: p.Thr766Pro; replaces threonine 766 with proline.
Molecular consequence: missense variant. On other transcripts: intron variant (14).
Genome position (GRCh38, 1-based): chr13:51,958,370, T>G on the plus strand (A>C on the coding strand, the complement: ATP7B is on the minus strand). VCF-style: chr13-51958370-T-G. GRCh37 (hg19) VCF-style: chr13-52532506-T-G.
Other names: c.2296A>C, p.Thr766Pro (NM_001406519.1, NM_001406523.1, NM_001406525.1 and 7 more transcripts); c.2152A>C, p.Thr718Pro (NM_001406520.1, NM_001406521.1, NM_001406522.1 and 1 more transcripts); c.2119A>C, p.Thr707Pro (NM_001406524.1); c.2056A>C, p.Thr686Pro (NM_001406530.1); c.1708-763A>C (NM_001406547.1, NM_001406545.1); c.1870-763A>C (NM_001005918.3, NM_001406546.1, NM_001406542.1 and 1 more transcripts); c.2122-763A>C (NM_001406534.1, NM_001406538.1, NM_001330578.2 and 2 more transcripts); c.1774-763A>C (NM_001406544.1); and 8 more; short protein forms T623P, T650P, T655P, T682P, T686P, T707P, T718P, T734P.
Identifiers: ClinVar variation 2690998 (VCV002690998.2), dbSNP rs2547715052.

ClinVar aggregate classification (germline): Likely pathogenic (1 of 4 stars; one submission).

Conditions:
Wilson disease (WND). Also called: Wilson's disease. Identifiers: Orphanet 905, MedGen C0019202, MONDO:0010200, OMIM 277900. Disease mechanism: loss of function.

Submission:

Institute of Genomics, University of Tartu
Classification: Likely pathogenic for Wilson disease. Last evaluated: 2023-04-04. Review status: criteria provided, single submitter. Criteria: ACMG Guidelines, 2015. Collection method: research. Allele origin: germline. Affected: yes. Observed: 2 variant alleles, 2 compound heterozygotes. Clinical features observed: Decreased circulating copper concentration (HP:0011967), Decreased circulating ceruloplasmin concentration (HP:0010837), Postural tremor (HP:0002174), Dysarthria (HP:0001260), Dysphagia (HP:0002015), Ataxia (HP:0001251), Dystonic disorder (HP:0001332), Excessive salivation (HP:0003781), Kayser-Fleischer ring (HP:0200032), Cirrhosis of liver (HP:0001394), Abnormal emotional state (HP:0100851), nucleus lentiformis hyperechogenicity in transcranial sonography.
Comment: This ATP7B c.2296A>C; p.Thr766Pro variant was identified in the 2020-2023 Wilson's disease genotype-first recall study at the Estonian Biobank. This variant has previously been described in the HGMD (CM1210109). We classified this variant as likely pathogenic according to Richards et al. 2015 ACMG guidelines. Evidence: PM2 (not reported in population databases), PM3 (found in trans with another pathogenic variant (p.H1069Q) in our recall study), PM5 (both p.Thr766Met and p.Thr766Arg have been reported as pathogenic in ClinVar), PP1 (seen in 2 siblings), PP3 (METALR 0.95, MutationTester D, Revel 0.94), PP4 (see clinical features)